The following is an entry in ClinVar:

NM_001365480.1(CCDC88A):c.1271A>G (p.Asp424Gly)

Gene: CCDC88A (coiled-coil and HOOK domain protein 88A; minus strand). Cytogenetic location: 2p16.1.
Variant type: single nucleotide variant.
Coding change: c.1271A>G on transcript NM_001365480.1 (MANE Select); coding-DNA position 1271, A replaced by G.
Protein change: p.Asp424Gly; replaces aspartic acid 424 with glycine.
Molecular consequence: missense variant.
Genome position (GRCh38, 1-based): chr2:55,343,710, T>C on the plus strand (A>G on the coding strand, the complement: CCDC88A is on the minus strand). VCF-style: chr2-55343710-T-C. GRCh37 (hg19) VCF-style: chr2-55570846-T-C.
Other names: c.1271A>G, p.Asp424Gly (NM_001135597.2, NM_001254943.2, NM_018084.5); short protein forms D424G.
Identifiers: ClinVar variation 2890887 (VCV002890887.5), dbSNP rs745561678, ClinGen allele CA1666186.

ClinVar aggregate classification (germline): Uncertain significance. Review status: criteria provided, multiple submitters, no conflicts (2 of 4 stars). 3 submissions from 3 submitters: Uncertain significance (3). Last evaluated 2024-10-24.

Conditions:
PEHO-like syndrome. Also called: PROGRESSIVE ENCEPHALOPATHY WITH EDEMA, HYPSARRHYTHMIA, AND OPTIC ATROPHY-LIKE SYNDROME. Identifiers: Orphanet 99807, MedGen C1850056, MONDO:0020495, OMIM 617507.

Allele frequency attached by ClinVar (database versions not stated): TOPMed below 0.00001; gnomAD 0.00001; gnomAD exomes 0.00004; ExAC 0.00010.
gnomAD v4.1: 60 of 1,612,166 alleles (0.0037%); highest among the groups gnomAD compares: South Asian, 0.064%; 1 homozygote.

Submissions (3):

Labcorp Genetics (formerly Invitae), Labcorp
Classification: Uncertain significance. Last evaluated: 2024-10-24. Review status: criteria provided, single submitter. Criteria: Invitae Variant Classification Sherloc (09022015). Collection method: clinical testing. Allele origin: germline.
Comment: This sequence change replaces aspartic acid, which is acidic and polar, with glycine, which is neutral and non-polar, at codon 424 of the CCDC88A protein (p.Asp424Gly). This variant is present in population databases (rs745561678, gnomAD 0.07%). This variant has not been reported in the literature in individuals affected with CCDC88A-related conditions. An algorithm developed to predict the effect of missense changes on protein structure and function (PolyPhen-2) suggests that this variant is likely to be disruptive. In summary, the available evidence is currently insufficient to determine the role of this variant in disease. Therefore, it has been classified as a Variant of Uncertain Significance.

Ambry Genetics
Classification: Uncertain significance. Last evaluated: 2023-10-13. Review status: criteria provided, single submitter. Criteria: Ambry Variant Classification Scheme 2023. Collection method: clinical testing. Allele origin: germline.

Genetics Laboratory, Department of Biology, Semnan University
Classification: Uncertain significance for PEHO-like syndrome. Last evaluated: 2019-01-16. Review status: criteria provided, single submitter. Criteria: ACMG Guidelines, 2015. Collection method: research. Allele origin: germline. Inheritance: Autosomal recessive inheritance. Affected: yes. Observed: 1 variant allele, 1 homozygote.
Comment: The identified variant leads to the substitution of Aspartic acid 424 with Glycine (D218G) in the CCDC88A protein. Hence, this substitution could alter the amino acid sequence and could leads to a decreased function of mutated protein.

Literature cited by the submitters: DOI 10.1093/brain/aww014 (cited by Genetics Laboratory, Department of Biology, Semnan University).